The following is an entry in ClinVar:

NM_015909.4(NBAS):c.4420C>T (p.Pro1474Ser)

Gene: NBAS (NBAS subunit of NRZ tethering complex; minus strand). Cytogenetic location: 2p24.3.
Variant type: single nucleotide variant.
Coding change: c.4420C>T on transcript NM_015909.4 (MANE Select); coding-DNA position 4420, C replaced by T.
Protein change: p.Pro1474Ser; replaces proline 1474 with serine.
Molecular consequence: missense variant. On other transcripts: non-coding transcript variant (1).
Genome position (GRCh38, 1-based): chr2:15,328,240, G>A on the plus strand (C>T on the coding strand, the complement: NBAS is on the minus strand). VCF-style: chr2-15328240-G-A. GRCh37 (hg19) VCF-style: chr2-15468364-G-A.
Other names: short protein forms P1474S.
Identifiers: ClinVar variation 1961519 (VCV001961519.5), dbSNP rs542935170, ClinGen allele CA1535657.

ClinVar aggregate classification (germline): Uncertain significance (1 of 4 stars; one submission).

gnomAD v4.1: 2 of 1,613,914 alleles (0.00012%); highest among the groups gnomAD compares: Non-Finnish European, 0.00017%; no homozygotes.

Submission:

Labcorp Genetics (formerly Invitae), Labcorp
Classification: Uncertain significance. Last evaluated: 2022-08-20. Review status: criteria provided, single submitter. Criteria: Invitae Variant Classification Sherloc (09022015). Collection method: clinical testing. Allele origin: germline.
Comment: This variant has not been reported in the literature in individuals affected with NBAS-related conditions. This variant is present in population databases (rs542935170, gnomAD 0.002%). This sequence change replaces proline, which is neutral and non-polar, with serine, which is neutral and polar, at codon 1474 of the NBAS protein (p.Pro1474Ser). Algorithms developed to predict the effect of missense changes on protein structure and function are either unavailable or do not agree on the potential impact of this missense change (SIFT: "Deleterious"; PolyPhen-2: "Benign"; Align-GVGD: "Class C65"). In summary, the available evidence is currently insufficient to determine the role of this variant in disease. Therefore, it has been classified as a Variant of Uncertain Significance.